The following is an entry in ClinVar:

NM_012330.4(KAT6B):c.4036G>T (p.Asp1346Tyr)

Gene: KAT6B (lysine acetyltransferase 6B; plus strand). Cytogenetic location: 10q22.2.
Variant type: single nucleotide variant.
Coding change: c.4036G>T on transcript NM_012330.4 (MANE Select); coding-DNA position 4036, G replaced by T.
Protein change: p.Asp1346Tyr; replaces aspartic acid 1346 with tyrosine.
Molecular consequence: missense variant.
Genome position (GRCh38, 1-based): chr10:75,028,860, G>T. VCF-style: chr10-75028860-G-T. GRCh37 (hg19) VCF-style: chr10-76788618-G-T.
Other names: c.3487G>T, p.Asp1163Tyr (NM_001256468.2, NM_001370138.1); c.3160G>T, p.Asp1054Tyr (NM_001256469.2, NM_001370139.1, NM_001370140.1 and 2 more transcripts); c.2998G>T, p.Asp1000Tyr (NM_001370132.1); c.2347G>T, p.Asp783Tyr (NM_001370133.1); c.1951G>T, p.Asp651Tyr (NM_001370134.1); c.1693G>T, p.Asp565Tyr (NM_001370135.1); c.4036G>T, p.Asp1346Tyr (NM_001370136.1, NM_001370137.1); c.2971G>T, p.Asp991Tyr (NM_001370143.1, NM_001370144.1); short protein forms D1346Y, D783Y, D991Y, D1054Y, D565Y, D1163Y, D651Y, D1000Y.
Identifiers: ClinVar variation 300887 (VCV000300887.18), dbSNP rs542036896, ClinGen allele CA5564943.

ClinVar aggregate classification (germline): Benign/Likely benign. Review status: criteria provided, multiple submitters, no conflicts (2 of 4 stars). 5 submissions from 5 submitters: Benign (2); Likely benign (3). Last evaluated 2026-08-01.

Conditions:
Blepharophimosis - intellectual disability syndrome, SBBYS type (SBBYSS). Also called: Say-Barber-Biesecker-Young-Simpson variant of Ohdo Syndrome; Say-Barber-Biesecker Variant of Ohdo Syndrome; Say-Barber-Biesecker-Young-Simpson syndrome; Ohdo syndrome, SBBYS variant; SBBYSS syndrome; Say-Barber-Biesecker variant of Ohdo syndrome (SBBYSS). Identifiers: Orphanet 3047, MedGen C1863557, MONDO:0011365, OMIM 603736.
Genitopatellar syndrome (GTPTS). Also called: Genitopatellar syndrome (GPS); ABSENT PATELLAE, SCROTAL HYPOPLASIA, RENAL ANOMALIES, FACIAL DYSMORPHISM, AND MENTAL RETARDATION. Identifiers: Orphanet 85201, MedGen C1853566, MONDO:0011640, OMIM 606170.

Allele frequency attached by ClinVar (database versions not stated): gnomAD 0.00010 and 0.00058; TOPMed 0.00024; gnomAD exomes 0.00073 and 0.00169; ExAC 0.00185; 1000 Genomes Project 30x 0.00375; 1000 Genomes Project 0.00419.
gnomAD v4.1: 1,157 of 1,613,982 alleles (0.072%); highest among the groups gnomAD compares: South Asian, 1%; 11 homozygotes.

Submissions (5):

CeGaT Center for Human Genetics Tuebingen
Classification: Likely benign. Last evaluated: 2026-08-01. Review status: criteria provided, single submitter. Criteria: CeGaT Center For Human Genetics Tuebingen Variant Classification Criteria Version 2. Collection method: clinical testing. Allele origin: germline. Affected: yes. Observed: 1 variant allele.
Comment: KAT6B: BP4, BS1

Labcorp Genetics (formerly Invitae), Labcorp
Classification: Benign for Genitopatellar syndrome. Last evaluated: 2026-01-27. Review status: criteria provided, single submitter. Criteria: Invitae Variant Classification Sherloc (09022015). Collection method: clinical testing. Allele origin: germline.

Blueprint Genetics
Classification: Likely benign. Last evaluated: 2024-11-11. Review status: criteria provided, single submitter. Criteria: ACMG Guidelines, 2015. Collection method: clinical testing. Allele origin: germline.

GeneDx
Classification: Benign. Last evaluated: 2021-06-04. Review status: criteria provided, single submitter. Criteria: GeneDx Variant Classification Process June 2021. Collection method: clinical testing. Allele origin: germline. Affected: yes.

Centre for Mendelian Genomics, University Medical Centre Ljubljana
Classification: Likely benign for Blepharophimosis - intellectual disability syndrome, SBBYS type. Last evaluated: 2019-03-12. Review status: criteria provided, single submitter. Criteria: ACMG Guidelines, 2015. Collection method: clinical testing. Allele origin: unknown. Affected: yes.
Comment: This variant was classified as: Likely benign. The following ACMG criteria were applied in classifying this variant: BP1,BP4,BP6.